The following is an entry in ClinVar:

ClinVar aggregate classification (germline): Uncertain significance (1 of 4 stars; one submission).

gnomAD v4.1: 4 of 1,614,214 alleles (0.00025%); highest among the groups gnomAD compares: East Asian, 0.0022%; no homozygotes.

Submission:

GeneDx
Classification: Uncertain significance. Last evaluated: 2023-12-21. Review status: criteria provided, single submitter. Criteria: GeneDx Variant Classification Process June 2021. Collection method: clinical testing. Allele origin: germline. Affected: yes.
Comment: Not observed at significant frequency in large population cohorts (gnomAD); In silico analysis supports that this missense variant has a deleterious effect on protein structure/function; Has not been previously published as pathogenic or benign to our knowledge

NM_012479.4(YWHAG):c.607G>A (p.Asp203Asn)

Gene: YWHAG (tyrosine 3-monooxygenase/tryptophan 5-monooxygenase activation protein gamma; minus strand). Cytogenetic location: 7q11.23.
Variant type: single nucleotide variant.
Coding change: c.607G>A on transcript NM_012479.4 (MANE Select); coding-DNA position 607, G replaced by A.
Protein change: p.Asp203Asn; replaces aspartic acid 203 with asparagine.
Molecular consequence: missense variant.
Genome position (GRCh38, 1-based): chr7:76,329,714, C>T on the plus strand (G>A on the coding strand, the complement: YWHAG is on the minus strand). VCF-style: chr7-76329714-C-T. GRCh37 (hg19) VCF-style: chr7-75959031-C-T.
Other names: short protein forms D203N.
Identifiers: ClinVar variation 3370224 (VCV003370224.1).
Genomic context (GRCh38, chr7:76,329,714, plus strand): 5'-TGATGAGCGTGGAGTCCTTGTAGGAGTCCTCGTTGAGGGTGTCAAGCTCGGCGATGGCGT[C>T]GTCGAACGCGGTCTTGGCCAAGTGGCACGCTTGCTCTGGGGCGTTCTGGATCTCATAGTA-3'
Protein context (NP_036611.2, residues 193-213): ACHLAKTAFD[Asp203Asn]AIAELDTLNE